The following is an entry in ClinVar:

NM_000263.4(NAGLU):c.1744G>T (p.Ala582Ser)

Gene: NAGLU (N-acetyl-alpha-glucosaminidase; plus strand). Cytogenetic location: 17q21.2.
Variant type: single nucleotide variant.
Coding change: c.1744G>T on transcript NM_000263.4 (MANE Select); coding-DNA position 1744, G replaced by T.
Protein change: p.Ala582Ser; replaces alanine 582 with serine.
Molecular consequence: missense variant.
Genome position (GRCh38, 1-based): chr17:42,543,750, G>T. VCF-style: chr17-42543750-G-T. GRCh37 (hg19) VCF-style: chr17-40695768-G-T.
Other names: short protein forms A582S.
Identifiers: ClinVar variation 2574608 (VCV002574608.2), dbSNP rs144238669, ClinGen allele CA399604710.

ClinVar aggregate classification (germline): no classifications from unflagged records (0 of 4 stars; one submission).

Conditions:
Tip-toe gait. Also called: Toe walking. Identifiers: MedGen C0427144, HP:0030051.

Submission:

Practice for Gait Abnormalities, David Pomarino, Competency Network Toe Walking C/o Practice Pomarino
Classification: Likely pathogenic for Tip-toe gait. Last evaluated: 2023-01-10. Review status: flagged submission. Collection method: clinical testing. Allele origin: germline. Affected: yes.
Comment: Hereditary motor sensory neuropathy (HMSN), also known as Charcot-Marie-Tooth Disease (CMT), is the most commonly inherited peripheral polyneuropathy. It constitutes a group of inherited, progressive, motor and sensory peripheral nerve disorders with properties of demyelination, axonal degeneration, or both. It is classified by clinical characteristics, modes of inheritance, electrophysiologic features, metabolic defects, and specific gene markers. Our patients all walk on tiptoe, so they show similar symptoms. When we genetically test them with our toe walking panel, we find that around 90 per cent of them have a genetic variant that explains their toe walking. These can be assigned, for example, to the area of myopathies (such as variants of the COL6A3 gene), the area of hereditary neuropathies (such as variants of the KMT2C gene) or the area of metabolic diseases (such as variants of the PYGM gene). In a smaller group of patients with almost identical symptoms, no abnormality is found in the genes of our panel, but spastic paraplegia can be detected. In another small group of our toe walkers, no abnormalities can be detected in the genes analysed in our toe walking panel, nor do they suffer from spastic paraplegia, as is also the case with healthy children. In contrast to these, however, they show a tiptoe gait. These patients suffer from infantile cerebral palsy, in which toe walking can also be observed.
ClinVar note: Notes: This gene has insufficient supporting evidence for isolated Tip-Toe Gait.
ClinVar note: Reason: Claim with insufficient supporting evidence

Literature cited by the submitters: PubMed 37091313.